The following is an entry in ClinVar:

NM_006073.4(TRDN):c.1364A>G (p.Glu455Gly)

Gene: TRDN (triadin; minus strand). Cytogenetic location: 6q22.31.
Variant type: single nucleotide variant.
Coding change: c.1364A>G on transcript NM_006073.4 (MANE Select); coding-DNA position 1364, A replaced by G.
Protein change: p.Glu455Gly; replaces glutamic acid 455 with glycine.
Molecular consequence: missense variant.
Genome position (GRCh38, 1-based): chr6:123,352,544, T>C on the plus strand (A>G on the coding strand, the complement: TRDN is on the minus strand). VCF-style: chr6-123352544-T-C. GRCh37 (hg19) VCF-style: chr6-123673689-T-C.
Other names: c.1367A>G, p.Glu456Gly (NM_001251987.2); c.1307A>G, p.Glu436Gly (NM_001407315.1); short protein forms E436G, E455G, E456G.
Identifiers: ClinVar variation 3328565 (VCV003328565.1).
Genomic context (GRCh38, chr6:123,352,544, plus strand): 5'-GCATGTTGTTGTCTTTCTAAAGAAGATAATGTCAACCTCCTTCATTTTTTTTTACCTTGC[T>C]CCACTGTCTTGGTTGTTTTCTCTTCCTTCTTTCCAGGTACAGCTGCAAAACAAAGATAAG-3'
Protein context (NP_006064.2, residues 445-465): KKEEKTTKTV[Glu455Gly]QEIRKEKSGK

ClinVar aggregate classification (germline): Uncertain significance (1 of 4 stars; one submission).

Conditions:
Cardiovascular phenotype. Identifiers: MedGen CN230736.

gnomAD v4.1: 10 of 1,611,266 alleles (0.00062%); highest among the groups gnomAD compares: Non-Finnish European, 0.00076%; no homozygotes.

Submission:

Ambry Genetics
Classification: Uncertain significance for Cardiovascular phenotype. Last evaluated: 2024-04-27. Review status: criteria provided, single submitter. Criteria: Ambry Variant Classification Scheme 2023. Collection method: clinical testing. Allele origin: germline.
Comment: The p.E455G variant (also known as c.1364A>G), located in coding exon 21 of the TRDN gene, results from an A to G substitution at nucleotide position 1364. The glutamic acid at codon 455 is replaced by glycine, an amino acid with similar properties. This amino acid position is conserved. In addition, this alteration is predicted to be tolerated by in silico analysis. Based on the available evidence, the clinical significance of this variant remains unclear.